The following is an entry in ClinVar:

NM_002838.5(PTPRC):c.2188G>T (p.Asp730Tyr)

Gene: PTPRC (protein tyrosine phosphatase receptor type C; plus strand). Cytogenetic location: 1q32.1.
Variant type: single nucleotide variant.
Coding change: c.2188G>T on transcript NM_002838.5 (MANE Select); coding-DNA position 2188, G replaced by T.
Protein change: p.Asp730Tyr; replaces aspartic acid 730 with tyrosine.
Molecular consequence: missense variant.
Genome position (GRCh38, 1-based): chr1:198,734,336, G>T. VCF-style: chr1-198734336-G-T. GRCh37 (hg19) VCF-style: chr1-198703465-G-T.
Other names: c.1705G>T, p.Asp569Tyr (NM_080921.4); short protein forms D569Y, D730Y.
Identifiers: ClinVar variation 1008178 (VCV001008178.8), dbSNP rs1189671328, ClinGen allele CA344047653.

ClinVar aggregate classification (germline): Uncertain significance (1 of 4 stars; one submission).

Conditions:
Immunodeficiency 104. Also called: SCID, AUTOSOMAL RECESSIVE, T CELL-NEGATIVE, B CELL-POSITIVE, NK CELL-POSITIVE; Severe combined immunodeficiency, autosomal recessive, T cell-negative, B cell-positive, NK cell-positive; Severe Combined Immune Deficiency, Autosomal Recessive, TCell -Negative, B Cell-Positive, NK Cell-Positive, IL7R-Related; IMMUNODEFICIENCY 104, SEVERE COMBINED. Identifiers: MedGen C5676890, MONDO:0012163, OMIM 608971.

Submission:

Labcorp Genetics (formerly Invitae), Labcorp
Classification: Uncertain significance for Immunodeficiency 104. Last evaluated: 2026-01-26. Review status: criteria provided, single submitter. Criteria: Invitae Variant Classification Sherloc (09022015). Collection method: clinical testing. Allele origin: germline.
Comment: This sequence change replaces aspartic acid, which is acidic and polar, with tyrosine, which is neutral and polar, at codon 730 of the PTPRC protein (p.Asp730Tyr). This variant is not present in population databases (gnomAD no frequency). This variant has not been reported in the literature in individuals affected with PTPRC-related conditions. ClinVar contains an entry for this variant (Variation ID: 1008178). An algorithm developed to predict the effect of missense changes on protein structure and function (PolyPhen-2) suggests that this variant is likely to be disruptive. In summary, the available evidence is currently insufficient to determine the role of this variant in disease. Therefore, it has been classified as a Variant of Uncertain Significance.